The following is an entry in ClinVar:

NM_145886.4(PIDD1):c.354C>T (p.Pro118=)

Gene: PIDD1 (p53-induced death domain protein 1; minus strand). Cytogenetic location: 11p15.5.
Variant type: single nucleotide variant.
Coding change: c.354C>T on transcript NM_145886.4 (MANE Select); coding-DNA position 354, C replaced by T.
Protein change: p.Pro118=; no amino-acid change (proline 118 retained).
Molecular consequence: synonymous variant.
Genome position (GRCh38, 1-based): chr11:803,529, G>A on the plus strand (C>T on the coding strand, the complement: PIDD1 is on the minus strand). VCF-style: chr11-803529-G-A. GRCh37 (hg19) VCF-style: chr11-803529-G-A.
Other names: c.354C>T, p.Pro118= (NM_145887.4).
Identifiers: ClinVar variation 3039760 (VCV003039760.2), dbSNP rs142349182, ClinGen allele CA5790472.

ClinVar aggregate classification (germline): Likely benign (0 of 4 stars; one submission).

Conditions:
PIDD1-related disorder. Also called: PIDD1-related condition.

Allele frequency attached by ClinVar (database versions not stated): ExAC 0.00003; TOPMed 0.00003; gnomAD 0.00005; ESP Exome Variant Server 0.00008.
gnomAD v4.1: 49 of 1,613,024 alleles (0.003%); highest among the groups gnomAD compares: Middle Eastern, 0.049%; no homozygotes.

Submission:

PreventionGenetics, part of Exact Sciences
Classification: Likely benign for PIDD1-related condition. Last evaluated: 2019-09-19. Review status: no assertion criteria provided. Collection method: clinical testing. Allele origin: germline.
Comment: This variant is classified as likely benign based on ACMG/AMP sequence variant interpretation guidelines (Richards et al. 2015 PMID: 25741868, with internal and published modifications).